The following is an entry in ClinVar:

ClinVar aggregate classification (germline): Uncertain significance (1 of 4 stars; one submission).

Conditions:
Emery-Dreifuss muscular dystrophy 5, autosomal dominant (EDMD5). Also called: EMERY-DREIFUSS MUSCULAR DYSTROPHY 5. Identifiers: Orphanet 261, MedGen C2751805, MONDO:0013072, OMIM 612999.

gnomAD v4.1: 6 of 1,613,992 alleles (0.00037%); highest among the groups gnomAD compares: African/African-American, 0.0067%; no homozygotes.

Submission:

Labcorp Genetics (formerly Invitae), Labcorp
Classification: Uncertain significance for Emery-Dreifuss muscular dystrophy 5, autosomal dominant. Last evaluated: 2025-04-03. Review status: criteria provided, single submitter. Criteria: Invitae Variant Classification Sherloc (09022015). Collection method: clinical testing. Allele origin: germline.
Comment: This sequence change replaces phenylalanine, which is neutral and non-polar, with cysteine, which is neutral and slightly polar, at codon 4880 of the SYNE2 protein (p.Phe4880Cys). This variant is present in population databases (rs377095054, gnomAD 0.01%). This variant has not been reported in the literature in individuals affected with SYNE2-related conditions. An algorithm developed to predict the effect of missense changes on protein structure and function (PolyPhen-2) suggests that this variant is likely to be disruptive. In summary, the available evidence is currently insufficient to determine the role of this variant in disease. Therefore, it has been classified as a Variant of Uncertain Significance.

NM_182914.3(SYNE2):c.14639T>G (p.Phe4880Cys)

Gene: SYNE2 (spectrin repeat containing nuclear envelope protein 2; plus strand). Cytogenetic location: 14q23.2.
Variant type: single nucleotide variant.
Coding change: c.14639T>G on transcript NM_182914.3 (MANE Select); coding-DNA position 14639, T replaced by G.
Protein change: p.Phe4880Cys; replaces phenylalanine 4880 with cysteine.
Molecular consequence: missense variant.
Genome position (GRCh38, 1-based): chr14:64,134,193, T>G. VCF-style: chr14-64134193-T-G. GRCh37 (hg19) VCF-style: chr14-64600911-T-G.
Other names: c.14639T>G, p.Phe4880Cys (NM_015180.6); short protein forms F4880C.
Identifiers: ClinVar variation 4752004 (VCV004752004.1).